The following is an entry in ClinVar:

ClinVar aggregate classification (germline): Benign. Review status: criteria provided, multiple submitters, no conflicts (2 of 4 stars). 3 submissions from 3 submitters: Benign (3). Last evaluated 2023-11-12.

Allele frequency attached by ClinVar (database versions not stated): 1000 Genomes Project 0.62380; TOPMed 0.61746; 1000 Genomes Project 30x 0.62695.
gnomAD v4.1: 91,686 of 152,104 alleles (60%); highest among the groups gnomAD compares: Middle Eastern, 70%; 27,982 homozygotes.

Submissions (3):

Unidad de Genómica Garrahan, Hospital de Pediatría Garrahan
Classification: Benign. Last evaluated: 2023-11-12. Review status: criteria provided, single submitter. Criteria: ACMG Guidelines, 2015. Collection method: clinical testing. Allele origin: germline. Affected: no. Observed: 21 variant alleles.
Comment: This variant is classified as Benign based on local population frequency. This variant was detected in 22% of patients studied by a panel of primary immunodeficiencies. Number of patients: 21. Only high quality variants are reported.

GeneDx
Classification: Benign. Last evaluated: 2018-09-14. Review status: criteria provided, single submitter. Criteria: GeneDx Variant Classification Process June 2021. Collection method: clinical testing. Allele origin: germline. Affected: yes.

Breakthrough Genomics
Classification: Benign. Review status: criteria provided, single submitter. Criteria: ACMG Guidelines, 2015. Collection method: not provided. Allele origin: germline. Inheritance: Autosomal dominant inheritance. Affected: yes.

NM_032638.5(GATA2):c.872-158C>A

Gene: GATA2 (GATA binding protein 2; minus strand). Cytogenetic location: 3q21.3.
Variant type: single nucleotide variant.
Coding change: c.872-158C>A on transcript NM_032638.5 (MANE Select); 158 bases into the intron before coding-DNA position 872, C replaced by A.
Molecular consequence: intron variant.
Genome position (GRCh38, 1-based): chr3:128,484,163, G>T on the plus strand (C>A on the coding strand, the complement: GATA2 is on the minus strand). VCF-style: chr3-128484163-G-T. GRCh37 (hg19) VCF-style: chr3-128203006-G-T.
Other names: c.872-158C>A (NM_001145662.1, NM_001145661.2).
Identifiers: ClinVar variation 1260894 (VCV001260894.5), dbSNP rs2659689, ClinGen allele CA11420025.
Genomic context (GRCh38, chr3:128,484,163, plus strand): 5'-GCCTCTCAGGCACACGGTTGGCCTGGGCCTGGCTGCAACAGCCTGGGCAGGAAGAGGGAC[G>T]AGAGGGTCTCCCACATGGGAGGGGGCACAGGTCCAGAGTCGTTTAAAGCCAAATCCCCTG-3'